The following is an entry in ClinVar:

ClinVar aggregate classification (germline): Uncertain significance. Review status: criteria provided, multiple submitters, no conflicts (2 of 4 stars). 2 submissions from 2 submitters: Uncertain significance (2). Last evaluated 2022-01-27.

Conditions:
Inborn genetic diseases. Identifiers: MedGen C0950123, MeSH D030342.

Allele frequency attached by ClinVar (database versions not stated): ExAC 0.00003; TOPMed 0.00004; gnomAD 0.00005; ESP Exome Variant Server 0.00008.
gnomAD v4.1: 76 of 1,597,336 alleles (0.0048%); highest among the groups gnomAD compares: East Asian, 0.0068%; no homozygotes.

Submissions (2):

Ambry Genetics
Classification: Uncertain significance for Inborn genetic diseases. Last evaluated: 2022-01-27. Review status: criteria provided, single submitter. Criteria: Ambry Variant Classification Scheme 2023. Collection method: clinical testing. Allele origin: germline.

Labcorp Genetics (formerly Invitae), Labcorp
Classification: Uncertain significance. Last evaluated: 2021-12-27. Review status: criteria provided, single submitter. Criteria: Invitae Variant Classification Sherloc (09022015). Collection method: clinical testing. Allele origin: germline.
Comment: This sequence change replaces arginine, which is basic and polar, with glutamine, which is neutral and polar, at codon 2314 of the LAMA5 protein (p.Arg2314Gln). This variant is present in population databases (rs373853767, gnomAD 0.007%). This variant has not been reported in the literature in individuals affected with LAMA5-related conditions. Algorithms developed to predict the effect of missense changes on protein structure and function output the following: SIFT: "Tolerated"; PolyPhen-2: "Benign"; Align-GVGD: "Class C0". The glutamine amino acid residue is found in multiple mammalian species, which suggests that this missense change does not adversely affect protein function. In summary, the available evidence is currently insufficient to determine the role of this variant in disease. Therefore, it has been classified as a Variant of Uncertain Significance.

NM_005560.6(LAMA5):c.6941G>A (p.Arg2314Gln)

Gene: LAMA5 (laminin subunit alpha 5; minus strand). Cytogenetic location: 20q13.33.
Variant type: single nucleotide variant.
Coding change: c.6941G>A on transcript NM_005560.6 (MANE Select); coding-DNA position 6941, G replaced by A.
Protein change: p.Arg2314Gln; replaces arginine 2314 with glutamine.
Molecular consequence: missense variant.
Genome position (GRCh38, 1-based): chr20:62,318,944, C>T on the plus strand (G>A on the coding strand, the complement: LAMA5 is on the minus strand). VCF-style: chr20-62318944-C-T. GRCh37 (hg19) VCF-style: chr20-60894000-C-T.
Other names: c.6941G>A (NM_005560.3); short protein forms R2314Q.
Identifiers: ClinVar variation 2192081 (VCV002192081.5), dbSNP rs373853767, ClinGen allele CA9941491.